The following is an entry in ClinVar:

NM_152383.5(DIS3L2):c.1729G>C (p.Glu577Gln)

Gene: DIS3L2 (DIS3 like 3'-5' exoribonuclease 2; plus strand). Cytogenetic location: 2q37.1.
Variant type: single nucleotide variant.
Coding change: c.1729G>C on transcript NM_152383.5 (MANE Select); coding-DNA position 1729, G replaced by C.
Protein change: p.Glu577Gln; replaces glutamic acid 577 with glutamine.
Molecular consequence: missense variant. On other transcripts: non-coding transcript variant (2), intron variant (1).
Genome position (GRCh38, 1-based): chr2:232,300,109, G>C. VCF-style: chr2-232300109-G-C. GRCh37 (hg19) VCF-style: chr2-233164819-G-C.
Other names: c.1581+36747G>C (NM_001257281.2); short protein forms E577Q.
Identifiers: ClinVar variation 2131856 (VCV002131856.4), dbSNP rs750651562, ClinGen allele CA350978726.

ClinVar aggregate classification (germline): Uncertain significance (1 of 4 stars; one submission).

Conditions:
Perlman syndrome (PRLMNS). Identifiers: Orphanet 2849, MedGen C0796113, MONDO:0009965, OMIM 267000.

Submission:

Labcorp Genetics (formerly Invitae), Labcorp
Classification: Uncertain significance for Perlman syndrome. Last evaluated: 2022-04-29. Review status: criteria provided, single submitter. Criteria: Invitae Variant Classification Sherloc (09022015). Collection method: clinical testing. Allele origin: germline.
Comment: In summary, the available evidence is currently insufficient to determine the role of this variant in disease. Therefore, it has been classified as a Variant of Uncertain Significance. Algorithms developed to predict the effect of missense changes on protein structure and function are either unavailable or do not agree on the potential impact of this missense change (SIFT: "Tolerated"; PolyPhen-2: "Possibly Damaging"; Align-GVGD: "Class C0"). This variant has not been reported in the literature in individuals affected with DIS3L2-related conditions. This variant is not present in population databases (gnomAD no frequency). This sequence change replaces glutamic acid, which is acidic and polar, with glutamine, which is neutral and polar, at codon 577 of the DIS3L2 protein (p.Glu577Gln).